The following is an entry in ClinVar:

ClinVar aggregate classification (germline): Uncertain significance (1 of 4 stars; one submission).

Submission:

GeneDx
Classification: Uncertain significance. Last evaluated: 2019-11-14. Review status: criteria provided, single submitter. Criteria: GeneDx Variant Classification Process June 2021. Collection method: clinical testing. Allele origin: germline. Affected: yes.
Comment: Has not been previously published as pathogenic or benign to our knowledge; Not observed in large population cohorts (Lek et al., 2016); In silico analysis, which includes protein predictors and evolutionary conservation, supports that this variant does not alter protein structure/function; Not located in one of the three hot-spot regions of the RYR2 gene, where the majority of pathogenic missense variants occur (Medeiros-Domingo et al., 2009)

NM_001035.3(RYR2):c.12454A>C (p.Ile4152Leu)

Genes: RYR2 (ryanodine receptor 2; plus strand), LOC126806068 (BRD4-independent group 4 enhancer GRCh37_chr1:237947411-237948610; plus strand). Cytogenetic location: 1q43.
Variant type: single nucleotide variant.
Coding change: c.12454A>C on transcript NM_001035.3 (MANE Select); coding-DNA position 12454, A replaced by C.
Protein change: p.Ile4152Leu; replaces isoleucine 4152 with leucine.
Molecular consequence: missense variant.
Genome position (GRCh38, 1-based): chr1:237,784,166, A>C. VCF-style: chr1-237784166-A-C. GRCh37 (hg19) VCF-style: chr1-237947466-A-C.
Other names: short protein forms I4152L.
Identifiers: ClinVar variation 1321097 (VCV001321097.2), dbSNP rs2149353895, ClinGen allele CA345413320.